The following is an entry in ClinVar:

ClinVar aggregate classification (germline): Uncertain significance (1 of 4 stars; one submission).

gnomAD v4.1: 86 of 1,612,372 alleles (0.0053%); highest among the groups gnomAD compares: East Asian, 0.0089%; no homozygotes.

Submission:

Labcorp Genetics (formerly Invitae), Labcorp
Classification: Uncertain significance. Last evaluated: 2024-06-24. Review status: criteria provided, single submitter. Criteria: Invitae Variant Classification Sherloc (09022015). Collection method: clinical testing. Allele origin: germline.
Comment: This sequence change replaces threonine, which is neutral and polar, with methionine, which is neutral and non-polar, at codon 7 of the PIGY protein (p.Thr7Met). This variant is present in population databases (rs11539621, gnomAD 0.03%). This variant has not been reported in the literature in individuals affected with PIGY-related conditions. An algorithm developed to predict the effect of missense changes on protein structure and function (PolyPhen-2) suggests that this variant is likely to be tolerated. In summary, the available evidence is currently insufficient to determine the role of this variant in disease. Therefore, it has been classified as a Variant of Uncertain Significance.

NM_001042616.3(PIGY):c.20C>T (p.Thr7Met)

Genes: PIGY (phosphatidylinositol glycan anchor biosynthesis class Y; minus strand), PYURF (PIGY upstream open reading frame; minus strand). Cytogenetic location: 4q22.1.
Variant type: single nucleotide variant.
Coding change: c.20C>T on transcript NM_001042616.3 (MANE Select); coding-DNA position 20, C replaced by T.
Protein change: p.Thr7Met; replaces threonine 7 with methionine.
Molecular consequence: missense variant. On other transcripts: 3 prime UTR variant (1).
Genome position (GRCh38, 1-based): chr4:88,521,770, G>A on the plus strand (C>T on the coding strand, the complement: PIGY is on the minus strand). VCF-style: chr4-88521770-G-A. GRCh37 (hg19) VCF-style: chr4-89442921-G-A.
Other names: c.*118C>T (NM_032906.5); short protein forms T7M.
Identifiers: ClinVar variation 3718114 (VCV003718114.2).